The following is an entry in ClinVar:

ClinVar aggregate classification (germline): Uncertain significance. Review status: criteria provided, single submitter (1 of 4 stars). 2 submissions from 2 submitters: Uncertain significance (1). 1 of the submissions does not count toward it. Last evaluated 2023-12-11.

Conditions:
Neuronal ceroid lipofuscinosis 1 (CLN1). Also called: CEROID LIPOFUSCINOSIS, NEURONAL, 1, VARIABLE AGE AT ONSET; PPT1-Related Neuronal Ceroid-Lipofuscinosis. Identifiers: Orphanet 228329, MedGen C1850451, MONDO:0009744, OMIM 256730.

Allele frequency attached by ClinVar (database versions not stated): gnomAD exomes below 0.00001 and 0.00002; gnomAD 0.00001; TOPMed 0.00001.
gnomAD v4.1: 30 of 1,614,052 alleles (0.0019%); highest among the groups gnomAD compares: African/African-American, 0.0027%; no homozygotes.

Submissions (2):

Labcorp Genetics (formerly Invitae), Labcorp
Classification: Uncertain significance for Neuronal ceroid lipofuscinosis 1. Last evaluated: 2023-12-11. Review status: criteria provided, single submitter. Criteria: Invitae Variant Classification Sherloc (09022015). Collection method: clinical testing. Allele origin: germline.
Comment: This sequence change replaces glutamic acid, which is acidic and polar, with lysine, which is basic and polar, at codon 273 of the PPT1 protein (p.Glu273Lys). This variant is present in population databases (no rsID available, gnomAD 0.0009%). This variant has not been reported in the literature in individuals affected with PPT1-related conditions. ClinVar contains an entry for this variant (Variation ID: 533955). Advanced modeling of protein sequence and biophysical properties (such as structural, functional, and spatial information, amino acid conservation, physicochemical variation, residue mobility, and thermodynamic stability) performed at Invitae indicates that this missense variant is not expected to disrupt PPT1 protein function with a negative predictive value of 95%. In summary, the available evidence is currently insufficient to determine the role of this variant in disease. Therefore, it has been classified as a Variant of Uncertain Significance.

Natera, Inc.
Classification: Uncertain significance for Neuronal ceroid lipofuscinosis 1. Last evaluated: 2021-09-17. Review status: no assertion criteria provided. Collection method: clinical testing. Allele origin: germline. Not counted in ClinVar's aggregate classification.

NM_000310.4(PPT1):c.817G>A (p.Glu273Lys)

Gene: PPT1 (palmitoyl-protein thioesterase 1; minus strand). Cytogenetic location: 1p34.2.
Variant type: single nucleotide variant.
Coding change: c.817G>A on transcript NM_000310.4 (MANE Select); coding-DNA position 817, G replaced by A.
Protein change: p.Glu273Lys; replaces glutamic acid 273 with lysine.
Molecular consequence: missense variant.
Genome position (GRCh38, 1-based): chr1:40,074,165, C>T on the plus strand (G>A on the coding strand, the complement: PPT1 is on the minus strand). VCF-style: chr1-40074165-C-T. GRCh37 (hg19) VCF-style: chr1-40539837-C-T.
Other names: c.508G>A, p.Glu170Lys (NM_001142604.2); c.745G>A, p.Glu249Lys (NM_001363695.2); short protein forms E273K, E170K, E249K.
Identifiers: ClinVar variation 533955 (VCV000533955.9), dbSNP rs1193191643, ClinGen allele CA339845767.
Genomic context (GRCh38, chr1:40,074,165, plus strand): 5'-ACAACTGAAGATGGTCCCCTTCTGTAGCCAGAAACACTAGCTGTCCTGCATTGTCCATTT[C>T]CTTTAGCCCCAGGCGGTCCTGCAGAAGGAAAGGCCATAATTAATTAAAAAGCTTAATGAA-3'
Protein context (NP_000301.1, residues 263-283): LYTQDRLGLK[Glu273Lys]MDNAGQLVFL